The following is an entry in ClinVar:

ClinVar aggregate classification (germline): Pathogenic/Likely pathogenic. Review status: criteria provided, multiple submitters, no conflicts (2 of 4 stars). 3 submissions from 3 submitters: Pathogenic (1); Likely pathogenic (2). Last evaluated 2025-08-26.

Conditions:
Smith-Lemli-Opitz syndrome (SLOS). Also called: 7-Dehydrocholesterol reductase deficiency; LETHAL ACRODYSGENITAL SYNDROME; POLYDACTYLY, SEX REVERSAL, RENAL HYPOPLASIA, AND UNILOBAR LUNG; RSH SYNDROME; RUTLEDGE LETHAL MULTIPLE CONGENITAL ANOMALY SYNDROME. Identifiers: Orphanet 818, MedGen C0175694, MONDO:0010035, OMIM 270400.

Allele frequency attached by ClinVar (database versions not stated): ExAC 0.00001; ESP Exome Variant Server 0.00008.
gnomAD v4.1: 30 of 1,611,736 alleles (0.0019%); highest among the groups gnomAD compares: Non-Finnish European, 0.0025%; no homozygotes.

Submissions (3):

Natera, Inc.
Classification: Likely pathogenic for Smith-Lemli-Opitz syndrome. Last evaluated: 2025-08-26. Review status: criteria provided, single submitter. Criteria: Natera Variant Classification Schema (03/2026). Collection method: clinical testing. Allele origin: germline.
Comment: The c.1290C>G variant in DHCR7 is a nonsense variant predicted to introduce a stop codon at amino acid 430. This variant is expected to result in nonsense mediated decay, truncation, or a dysfunctional protein product. This variant is rare in the general population with a frequency below the threshold expected for the associated phenotype(s). Given the available evidence, this variant is classified as Likely Pathogenic.

Labcorp Genetics (formerly Invitae), Labcorp
Classification: Pathogenic for Smith-Lemli-Opitz syndrome. Last evaluated: 2024-07-06. Review status: criteria provided, single submitter. Criteria: Invitae Variant Classification Sherloc (09022015). Collection method: clinical testing. Allele origin: germline.
Comment: This sequence change creates a premature translational stop signal (p.Tyr430*) in the DHCR7 gene. While this is not anticipated to result in nonsense mediated decay, it is expected to disrupt the last 46 amino acid(s) of the DHCR7 protein. This variant is present in population databases (rs140791666, gnomAD 0.002%). This variant has not been reported in the literature in individuals affected with DHCR7-related conditions. ClinVar contains an entry for this variant (Variation ID: 813482). This variant disrupts a region of the DHCR7 protein in which other variant(s) (p.Phe475Ser) have been determined to be pathogenic (PMID: 15776424). This suggests that this is a clinically significant region of the protein, and that variants that disrupt it are likely to be disease-causing. For these reasons, this variant has been classified as Pathogenic.

Baylor Genetics
Classification: Likely pathogenic for Smith-Lemli-Opitz syndrome. Review status: criteria provided, single submitter. Criteria: ACMG Guidelines, 2015. Collection method: clinical testing. Allele origin: germline.

Literature cited by the submitters: PubMed 15776424 (cited by Labcorp Genetics (formerly Invitae), Labcorp).

NM_001360.3(DHCR7):c.1290C>G (p.Tyr430Ter)

Gene: DHCR7 (7-dehydrocholesterol reductase; minus strand). Cytogenetic location: 11q13.4.
Variant type: single nucleotide variant.
Coding change: c.1290C>G on transcript NM_001360.3 (MANE Select); coding-DNA position 1290, C replaced by G.
Protein change: p.Tyr430Ter; replaces tyrosine 430 with a stop codon.
Molecular consequence: nonsense.
Genome position (GRCh38, 1-based): chr11:71,435,513, G>C on the plus strand (C>G on the coding strand, the complement: DHCR7 is on the minus strand). VCF-style: chr11-71435513-G-C. GRCh37 (hg19) VCF-style: chr11-71146559-G-C.
Other names: c.1290C>G, p.Tyr430Ter (NM_001163817.2); c.1290C>G (NM_001360.2); short protein forms Y430*.
Identifiers: ClinVar variation 813482 (VCV000813482.7), dbSNP rs140791666, ClinGen allele CA6162269.